The following is an entry in ClinVar:

NM_000059.4(BRCA2):c.5590_5593del (p.Asp1864fs)

Gene: BRCA2 (BRCA2 DNA repair associated; plus strand). Cytogenetic location: 13q13.1.
Variant type: Deletion.
Coding change: c.5590_5593del on transcript NM_000059.4 (MANE Select); coding-DNA positions 5590 to 5593, 4 bases deleted (GACA; older notation c.5590_5593delGACA).
Protein change: p.Asp1864fs; shifts the reading frame from aspartic acid 1864.
Molecular consequence: frameshift variant.
Genome position (GRCh38, 1-based): chr13:32,339,945-32,339,948, GACA deleted; deleting any 4 consecutive bases within chr13:32,339,944-32,339,948 gives the same sequence; the c. name uses the placement nearest the transcript's 3' end. VCF-style (leftmost placement, unchanged base first): chr13-32339943-AAGAC-A. GRCh37 (hg19) VCF-style: chr13-32914080-AAGAC-A.
Other names: 5818del4; c.5590_5593delGACA (NM_000059.3); short protein forms D1864fs.
Identifiers: ClinVar variation 252840 (VCV000252840.17), dbSNP rs879255460, ClinGen allele CA10586075.

ClinVar aggregate classification (germline): Pathogenic. Review status: reviewed by expert panel (3 of 4 stars). 5 submissions from 5 submitters: Pathogenic (1). 4 of the submissions do not count toward it. Last evaluated 2017-12-15.

Conditions:
Hereditary cancer-predisposing syndrome. Also called: Tumor predisposition; Hereditary Cancer Syndrome; Neoplastic Syndromes, Hereditary; Hereditary neoplastic syndrome. Identifiers: Orphanet 140162, MedGen C0027672, MeSH D009386, MONDO:0015356.
Hereditary breast ovarian cancer syndrome. Also called: Hereditary breast and ovarian cancer; Breast and ovarian cancer; Hereditary breast and/or ovarian cancer syndrome; BRCA1- and BRCA2-Associated Hereditary Breast and Ovarian Cancer; Hereditary breast and ovarian cancer syndrome; Hereditary breast and ovarian cancer syndrome (HBOC). Identifiers: Orphanet 145, MedGen C0677776, MeSH D061325, MONDO:0003582. Disease mechanism: loss of function.
Breast-ovarian cancer, familial, susceptibility to, 2 (BROVCA2). Also called: BRCA2 Hereditary Breast and Ovarian Cancer. Identifiers: Orphanet 145, MedGen C2675520, MONDO:0012933, OMIM 612555. Disease mechanism: loss of function.

Submissions (5):

Evidence-based Network for the Interpretation of Germline Mutant Alleles (ENIGMA)
Classification: Pathogenic for Breast-ovarian cancer, familial, susceptibility to, 2. Last evaluated: 2017-12-15. Review status: reviewed by expert panel. Criteria: ENIGMA BRCA1/2 Classification Criteria (2017-06-29). Collection method: curation. Allele origin: germline. Study: ENIGMA.
Comment: Variant allele predicted to encode a truncated non-functional protein.

GeneDx
Classification: Pathogenic. Last evaluated: 2025-02-24. Review status: criteria provided, single submitter. Criteria: GeneDx Variant Classification Process June 2021. Collection method: clinical testing. Allele origin: germline. Affected: yes. Not counted in ClinVar's aggregate classification.
Comment: Frameshift variant predicted to result in protein truncation or nonsense mediated decay in a gene for which loss of function is a known mechanism of disease; Truncating variants in this gene are considered pathogenic by a well-established clinical consortium and/or database; Not observed at significant frequency in large population cohorts (gnomAD); Also known as 5818_5821del; This variant is associated with the following publications: (PMID: 20104584, 28111427)

Ambry Genetics
Classification: Pathogenic for Hereditary cancer-predisposing syndrome. Last evaluated: 2022-02-18. Review status: criteria provided, single submitter. Criteria: Ambry Variant Classification Scheme 2023. Collection method: clinical testing. Allele origin: germline. Not counted in ClinVar's aggregate classification.
Comment: The c.5590_5593delGACA pathogenic mutation, located in coding exon 10 of the BRCA2 gene, results from a deletion of 4 nucleotides at nucleotide positions 5590 to 5593, causing a translational frameshift with a predicted alternate stop codon (p.D1864Yfs*9). This alteration has been reported in a cohort of 745 Korean hereditary breast and ovarian cancer (HBOC) patients (Park JS et al. Cancer Res Treat, 2017 Oct;49:1012-1021). This variant is considered to be rare based on population cohorts in the Genome Aggregation Database (gnomAD). In addition to the clinical data presented in the literature, this alteration is expected to result in loss of function by premature protein truncation or nonsense-mediated mRNA decay. As such, this alteration is interpreted as a disease-causing mutation.

Labcorp Genetics (formerly Invitae), Labcorp
Classification: Pathogenic for Hereditary breast ovarian cancer syndrome. Last evaluated: 2019-10-09. Review status: criteria provided, single submitter. Criteria: Invitae Variant Classification Sherloc (09022015). Collection method: clinical testing. Allele origin: germline. Not counted in ClinVar's aggregate classification.
Comment: This sequence change creates a premature translational stop signal (p.Asp1864Tyrfs*9) in the BRCA2 gene. It is expected to result in an absent or disrupted protein product. This variant is not present in population databases (ExAC no frequency). This variant has been observed in an individual with clinical features of hereditary breast and ovarian cancer (PMID: 28111427). ClinVar contains an entry for this variant (Variation ID: 252840). Loss-of-function variants in BRCA2 are known to be pathogenic (PMID: 20104584). For these reasons, this variant has been classified as Pathogenic.

Sharing Clinical Reports Project (SCRP)
Classification: Pathogenic for Breast-ovarian cancer, familial 2. Last evaluated: 2014-02-20. Review status: no assertion criteria provided. Collection method: clinical testing. Allele origin: germline. Not counted in ClinVar's aggregate classification.

Literature cited by the submitters: PubMed 28111427 (cited by Ambry Genetics and Labcorp Genetics (formerly Invitae), Labcorp); PubMed 20104584 (cited by Labcorp Genetics (formerly Invitae), Labcorp).